The following is an entry in ClinVar:

ClinVar aggregate classification (germline): Pathogenic/Likely pathogenic. Review status: criteria provided, multiple submitters, no conflicts (2 of 4 stars). 3 submissions from 3 submitters: Pathogenic (2); Likely pathogenic (1). Last evaluated 2025-02-19.

Conditions:
Stickler syndrome type 1 (STL1). Also called: ARTHROOPHTHALMOPATHY, HEREDITARY PROGRESSIVE; COL2A1-Related Stickler Syndrome; STICKLER SYNDROME, MEMBRANOUS VITREOUS TYPE; STICKLER SYNDROME, VITREOUS TYPE 1. Identifiers: Orphanet 828, Orphanet 90653, MedGen C2020284, MONDO:0007160, OMIM 108300.

Submissions (3):

GeneDx
Classification: Pathogenic. Last evaluated: 2025-02-19. Review status: criteria provided, single submitter. Criteria: GeneDx Variant Classification Process June 2021. Collection method: clinical testing. Allele origin: germline. Affected: yes.
Comment: Damages or destroys the splice acceptor site in intron 8, and is expected to cause abnormal gene splicing; if the splice outcome is exon skip, the loss of the encoded residues in the triple helical region is expected to disrupt normal protein folding and function, and this is an established mechanism of disease (HGMD); Not observed at significant frequency in large population cohorts (gnomAD); Has not been previously published as pathogenic or benign to our knowledge

Labcorp Genetics (formerly Invitae), Labcorp
Classification: Pathogenic. Last evaluated: 2024-11-07. Review status: criteria provided, single submitter. Criteria: Invitae Variant Classification Sherloc (09022015). Collection method: clinical testing. Allele origin: germline.
Comment: This variant results in the deletion of part of exon 9 (c.610-17_617del) of the COL2A1 gene. It is expected to disrupt RNA splicing. Variants that disrupt the donor or acceptor splice site typically lead to a loss of protein function (PMID: 16199547), and loss-of-function variants in COL2A1 are known to be pathogenic (PMID: 20179744). This variant is not present in population databases (gnomAD no frequency). This variant has not been reported in the literature in individuals affected with COL2A1-related conditions. ClinVar contains an entry for this variant (Variation ID: 1185019). This variant disrupts the triple helix domain of COL2A1. Glycine residues within the Gly-Xaa-Yaa repeats of the triple helix domain are required for the structure and stability of fibrillar collagens (PMID: 7695699, 8218237, 19344236). In COL2A1, variants affecting these glycine residues are significantly enriched in individuals with disease (PMID: 9016532, 17078022) compared to the general population (ExAC). For these reasons, this variant has been classified as Pathogenic.

Johns Hopkins Genomics, Johns Hopkins University
Classification: Likely pathogenic for Stickler syndrome type 1. Last evaluated: 2021-07-27. Review status: criteria provided, single submitter. Criteria: ACMG Guidelines, 2015. Collection method: clinical testing. Allele origin: germline.
Comment: COL2A1 c.610-17_617del is absent from a large population dataset and has not been reported in ClinVar nor the literature, to our knowledge. This variant deletes the native acceptor (3') splice site for exon 9 and is predicted to cause aberrant mRNA splicing. We consider COL2A1 c.610-17_617del to be likely pathogenic.

Literature cited by the submitters: PubMed 16199547 (cited by Labcorp Genetics (formerly Invitae), Labcorp); PubMed 20179744 (cited by Labcorp Genetics (formerly Invitae), Labcorp); PubMed 7695699 (cited by Labcorp Genetics (formerly Invitae), Labcorp); PubMed 8218237 (cited by Labcorp Genetics (formerly Invitae), Labcorp); PubMed 19344236 (cited by Labcorp Genetics (formerly Invitae), Labcorp); PubMed 9016532 (cited by Labcorp Genetics (formerly Invitae), Labcorp); PubMed 17078022 (cited by Labcorp Genetics (formerly Invitae), Labcorp).

NM_001844.5(COL2A1):c.610-17_617del

Gene: COL2A1 (collagen type II alpha 1 chain; minus strand). Cytogenetic location: 12q13.11.
Variant type: Deletion.
Coding change: c.610-17_617del on transcript NM_001844.5 (MANE Select); 17 bases into the intron before coding-DNA position 610 through coding-DNA position 617, 25 bases deleted (TTTCTGTTCCGATGCAGGGCCCCAT).
Molecular consequence: splice acceptor variant.
Genome position (GRCh38, 1-based): chr12:47,995,912-47,995,936, ATGGGGCCCTGCATCGGAACAGAAA deleted on the plus strand (TTTCTGTTCCGATGCAGGGCCCCAT on the coding strand, the reverse complement: COL2A1 is on the minus strand); deleting any 25 consecutive bases within chr12:47,995,912-47,995,939 gives the same sequence; the c. name uses the placement nearest the transcript's 3' end. VCF-style (leftmost placement, unchanged base first): chr12-47995911-CATGGGGCCCTGCATCGGAACAGAAA-C. GRCh37 (hg19) VCF-style: chr12-48389694-CATGGGGCCCTGCATCGGAACAGAAA-C.
Other names: c.403-17_410del (NM_033150.3).
Identifiers: ClinVar variation 1185019 (VCV001185019.7), dbSNP rs2136619163, ClinGen allele CA2499221684.
Genomic context (GRCh38, chr12:47,995,911, plus strand): 5'-GCAAAAAGAATTGCAGATACTTACAGGAGCACCTGCAGGGCCTGGAGGTCCTCGAGGTCC[CATGGGGCCCTGCATCGGAACAGAAA>C]ATGAGGGGTTTACTACACATGCTTCCTCAGTGGCCTCCAGTGTGCCATCTTCTCCCAGCC-3'